The following is an entry in ClinVar:

ClinVar aggregate classification (germline): Uncertain significance (1 of 4 stars; one submission).

Conditions:
Epileptic encephalopathy. Identifiers: MedGen C0543888, HP:0200134.

Submission:

Labcorp Genetics (formerly Invitae), Labcorp
Classification: Uncertain significance for Epileptic encephalopathy. Last evaluated: 2019-10-28. Review status: criteria provided, single submitter. Criteria: Invitae Variant Classification Sherloc (09022015). Collection method: clinical testing. Allele origin: germline.
Comment: Algorithms developed to predict the effect of sequence changes on RNA splicing suggest that this variant may disrupt the consensus splice site, but this prediction has not been confirmed by published transcriptional studies. This variant, c.3976_3978del, results in the deletion of 1 amino acid(s) of the RYR3 protein (p.Thr1326del), but otherwise preserves the integrity of the reading frame. The frequency data for this variant in the population databases is considered unreliable, as metrics indicate poor data quality at this position in the ExAC database. This variant has not been reported in the literature in individuals with RYR3-related conditions. In summary, the available evidence is currently insufficient to determine the role of this variant in disease. Therefore, it has been classified as a Variant of Uncertain Significance.

NM_001036.6(RYR3):c.3970ACA[2] (p.Thr1326del)

Gene: RYR3 (ryanodine receptor 3; plus strand). Cytogenetic location: 15q14.
Variant type: Microsatellite.
Coding change: c.3970ACA[2] on transcript NM_001036.6 (MANE Select); two copies in a row of the 3-base unit ACA starting at c.3970; the reference has three copies in a row; one copy, 3 bases deleted.
Protein change: p.Thr1326del; deletes threonine 1326.
Molecular consequence: inframe deletion.
Genome position (GRCh38, 1-based): chr15:33,647,458-33,647,460, ACA deleted; deleting any 3 consecutive bases within chr15:33,647,452-33,647,460 gives the same sequence; the position shown is the placement nearest the transcript's 3' end. VCF-style (leftmost placement, unchanged base first): chr15-33647451-TACA-T. GRCh37 (hg19) VCF-style: chr15-33939652-TACA-T.
Other names: c.3970ACA[2], p.Thr1326del (NM_001243996.4); short protein forms T1326del.
Identifiers: ClinVar variation 962767 (VCV000962767.9), dbSNP rs763363972, ClinGen allele CA7458844.